The following is an entry in ClinVar:

NM_006397.3(RNASEH2A):c.268G>A (p.Gly90Ser)

Gene: RNASEH2A (ribonuclease H2 subunit A; plus strand). Cytogenetic location: 19p13.13.
Variant type: single nucleotide variant.
Coding change: c.268G>A on transcript NM_006397.3 (MANE Select); coding-DNA position 268, G replaced by A.
Protein change: p.Gly90Ser; replaces glycine 90 with serine.
Molecular consequence: missense variant.
Genome position (GRCh38, 1-based): chr19:12,807,274, G>A. VCF-style: chr19-12807274-G-A. GRCh37 (hg19) VCF-style: chr19-12918088-G-A.
Other names: short protein forms G90S.
Identifiers: ClinVar variation 1413198 (VCV001413198.3), dbSNP rs773318256, ClinGen allele CA9231813.

ClinVar aggregate classification (germline): Uncertain significance (1 of 4 stars; one submission).

Conditions:
Aicardi-Goutieres syndrome 4. Identifiers: Orphanet 51, MedGen C1835912, MONDO:0012472, OMIM 610333.

Allele frequency attached by ClinVar (database versions not stated): gnomAD exomes below 0.00001; ExAC 0.00001.
gnomAD v4.1: 1 of 1,614,194 alleles (0.000062%); highest among the groups gnomAD compares: Admixed American, 0.0017%; no homozygotes.

Submission:

Labcorp Genetics (formerly Invitae), Labcorp
Classification: Uncertain significance for Aicardi-Goutieres syndrome 4. Last evaluated: 2022-08-22. Review status: criteria provided, single submitter. Criteria: Invitae Variant Classification Sherloc (09022015). Collection method: clinical testing. Allele origin: germline.
Comment: This sequence change replaces glycine, which is neutral and non-polar, with serine, which is neutral and polar, at codon 90 of the RNASEH2A protein (p.Gly90Ser). This variant is present in population databases (rs773318256, gnomAD 0.003%). This variant has not been reported in the literature in individuals affected with RNASEH2A-related conditions. ClinVar contains an entry for this variant (Variation ID: 1413198). Algorithms developed to predict the effect of missense changes on protein structure and function are either unavailable or do not agree on the potential impact of this missense change (SIFT: "Deleterious"; PolyPhen-2: "Probably Damaging"; Align-GVGD: "Class C0"). In summary, the available evidence is currently insufficient to determine the role of this variant in disease. Therefore, it has been classified as a Variant of Uncertain Significance.